The following is an entry in ClinVar:

NM_001283009.2(RTEL1):c.2219A>G (p.His740Arg)

Genes: RTEL1 (regulator of telomere elongation helicase 1; plus strand), RTEL1-TNFRSF6B (RTEL1-TNFRSF6B readthrough (NMD candidate); plus strand). Cytogenetic location: 20q13.33.
Variant type: single nucleotide variant.
Coding change: c.2219A>G on transcript NM_001283009.2 (MANE Select); coding-DNA position 2219, A replaced by G.
Protein change: p.His740Arg; replaces histidine 740 with arginine.
Molecular consequence: missense variant. On other transcripts: non-coding transcript variant (1).
Genome position (GRCh38, 1-based): chr20:63,690,164, A>G. VCF-style: chr20-63690164-A-G. GRCh37 (hg19) VCF-style: chr20-62321517-A-G.
Other names: c.1550A>G, p.His517Arg (NM_001283010.1); c.2219A>G, p.His740Arg (NM_016434.4); c.2291A>G, p.His764Arg (NM_032957.5); short protein forms H517R, H764R, H740R.
Identifiers: ClinVar variation 3791186 (VCV003791186.1).

ClinVar aggregate classification (germline): Uncertain significance (1 of 4 stars; one submission).

Conditions:
Inborn genetic diseases. Identifiers: MedGen C0950123, MeSH D030342.

gnomAD v4.1: 7 of 1,612,422 alleles (0.00043%); highest among the groups gnomAD compares: African/African-American, 0.0027%; no homozygotes.

Submission:

Ambry Genetics
Classification: Uncertain significance for Inborn genetic diseases. Last evaluated: 2025-02-26. Review status: criteria provided, single submitter. Criteria: Ambry Variant Classification Scheme 2023. Collection method: clinical testing. Allele origin: germline.
Comment: The p.H740R variant (also known as c.2219A>G), located in coding exon 24 of the RTEL1 gene, results from an A to G substitution at nucleotide position 2219. The histidine at codon 740 is replaced by arginine, an amino acid with highly similar properties. This amino acid position is conserved. In addition, this alteration is predicted to be tolerated by in silico analysis. Based on the available evidence, the clinical significance of this variant remains unclear.